The following is an entry in ClinVar:

NM_020765.3(UBR4):c.14379G>A (p.Lys4793=)

Gene: UBR4 (ubiquitin protein ligase E3 component n-recognin 4; minus strand). Cytogenetic location: 1p36.13.
Variant type: single nucleotide variant.
Coding change: c.14379G>A on transcript NM_020765.3 (MANE Select); coding-DNA position 14379, G replaced by A.
Protein change: p.Lys4793=; no amino-acid change (lysine 4793 retained).
Molecular consequence: synonymous variant.
Genome position (GRCh38, 1-based): chr1:19,088,810, C>T on the plus strand (G>A on the coding strand, the complement: UBR4 is on the minus strand). VCF-style: chr1-19088810-C-T. GRCh37 (hg19) VCF-style: chr1-19415304-C-T.
Identifiers: ClinVar variation 1334332 (VCV001334332.5), dbSNP rs1043899, ClinGen allele CA648225.
Genomic context (GRCh38, chr1:19,088,810, plus strand): 5'-TAGCTTTACCGTCATGCCCAGGGTGCCCAGGGCCTTCTGCCTCATTGCCATGGCCATGCG[C>T]TTCTTCTCTGCCCGGGTCTCCCTGCGGGCTGCGTCAATCTTCTTGTTTACGTCAGGGTGT-3'
Protein context (NP_065816.2, residues 4783-4803): AARRETRAEK[Lys4793=]RMAMAMRQKA

ClinVar aggregate classification (germline): Benign. Review status: criteria provided, multiple submitters, no conflicts (2 of 4 stars). 3 submissions from 3 submitters: Benign (2). 1 of the submissions does not count toward it. Last evaluated 2022-01-13.

Conditions:
UBR4-related disorder. Also called: UBR4-related condition.

Allele frequency attached by ClinVar (database versions not stated): ESP Exome Variant Server 0.55259; gnomAD 0.56398 and 0.56429; gnomAD exomes 0.57671 and 0.58843; TOPMed 0.57861; 1000 Genomes Project 30x 0.58854; 1000 Genomes Project 0.59185; ExAC 0.58071.
gnomAD v4.1: 928,679 of 1,613,694 alleles (58%); highest among the groups gnomAD compares: East Asian, 78%; 270,567 homozygotes.

Submissions (3):

GeneDx
Classification: Benign. Last evaluated: 2022-01-13. Review status: criteria provided, single submitter. Criteria: GeneDx Variant Classification Process June 2021. Collection method: clinical testing. Allele origin: germline. Affected: yes.

Breakthrough Genomics
Classification: Benign. Review status: criteria provided, single submitter. Criteria: ACMG Guidelines, 2015. Collection method: not provided. Allele origin: germline. Inheritance: Unknown mechanism. Affected: yes.

PreventionGenetics, part of Exact Sciences
Classification: Benign for UBR4-related condition. Last evaluated: 2019-07-08. Review status: no assertion criteria provided. Collection method: clinical testing. Allele origin: germline. Not counted in ClinVar's aggregate classification.
Comment: This variant is classified as benign based on ACMG/AMP sequence variant interpretation guidelines (Richards et al. 2015 PMID: 25741868, with internal and published modifications).